The following continues an entry in ClinVar:

NM_000059.4(BRCA2):c.4829_4830del (p.Val1610fs)

Gene: BRCA2. ClinVar aggregate classification (germline): Pathogenic. Pathogenic (1).

Submissions 9 to 19 of 19:

All of Us Research Program, National Institutes of Health
Classification: Pathogenic for BRCA2-related cancer predisposition. Last evaluated: 2024-08-07. Review status: criteria provided, single submitter. Criteria: ACMG Guidelines, 2015. Collection method: clinical testing. Allele origin: germline. Inheritance: Autosomal dominant inheritance. Observed: 2 variant alleles, 2 heterozygotes. Not counted in ClinVar's aggregate classification.
Comment: This variant deletes 2 nucleotides in exon 11 of the BRCA2 gene, creating a frameshift and premature translation stop signal. This variant is expected to result in an absent or non-functional protein product. This variant has been detected in at least 9 individuals affected with breast or ovarian cancer and in an individual affected with pancreatic cancer (PMID: 12181777, 16455195, 16998791, 22798144, 29506128, 30014164, 30535581). This variant also has been reported as a recurrent mutation in suspected hereditary breast and ovarian cancer families in Brazil (PMID: 29907814, 30535581). This variant has been identified in 2/250066 chromosomes in the general population by the Genome Aggregation Database (gnomAD). Loss of BRCA2 function is a known mechanism of disease. Based on the available evidence, this variant is classified as Pathogenic.

This study involves interpretation of variants in research participants for the purpose of population health screening. Participant phenotype was not available at the time of variant classification. Additional details can be found in publication PMID: 35346344, PMCID: PMC8962531

Baylor Genetics
Classification: Pathogenic for Familial cancer of breast. Last evaluated: 2024-02-19. Review status: criteria provided, single submitter. Criteria: ACMG Guidelines, 2015. Collection method: clinical testing. Allele origin: unknown. Not counted in ClinVar's aggregate classification.

CeGaT Center for Human Genetics Tuebingen
Classification: Pathogenic. Last evaluated: 2023-12-01. Review status: criteria provided, single submitter. Criteria: CeGaT Center For Human Genetics Tuebingen Variant Classification Criteria Version 2. Collection method: clinical testing. Allele origin: germline. Affected: yes. Observed: 2 variant alleles. Not counted in ClinVar's aggregate classification.
Comment: BRCA2: PVS1, PM2

Color Diagnostics, LLC DBA Color Health
Classification: Pathogenic for Hereditary cancer-predisposing syndrome. Last evaluated: 2023-02-28. Review status: criteria provided, single submitter. Criteria: ACMG Guidelines, 2015. Collection method: clinical testing. Allele origin: germline. Not counted in ClinVar's aggregate classification.
Comment: This variant deletes 2 nucleotides in exon 11 of the BRCA2 gene, creating a frameshift and premature translation stop signal. This variant is expected to result in an absent or non-functional protein product. This variant has been detected in at least 9 individuals affected with breast or ovarian cancer and in an individual affected with pancreatic cancer (PMID: 12181777, 16455195, 16998791, 22798144, 29506128, 30014164, 30535581). This variant also has been reported as a recurrent mutation in suspected hereditary breast and ovarian cancer families in Brazil (PMID: 29907814, 30535581). This variant has been identified in 2/250066 chromosomes in the general population by the Genome Aggregation Database (gnomAD). Loss of BRCA2 function is a known mechanism of disease. Based on the available evidence, this variant is classified as Pathogenic.

Laboratorio de Genetica e Diagnostico Molecular, Hospital Israelita Albert Einstein
Classification: Pathogenic for Hereditary breast ovarian cancer syndrome. Last evaluated: 2020-02-27. Review status: criteria provided, single submitter. Criteria: ACMG Guidelines, 2015. Collection method: clinical testing. Allele origin: germline. Not counted in ClinVar's aggregate classification.
Comment: ACMG classification criteria: PVS1, PS4, PM2

Women's Health and Genetics/Laboratory Corporation of America, LabCorp
Classification: Pathogenic for Hereditary breast and ovarian cancer syndrome. Last evaluated: 2020-02-12. Review status: criteria provided, single submitter. Criteria: LabCorp Variant Classification Summary - May 2015. Collection method: clinical testing. Allele origin: germline. Not counted in ClinVar's aggregate classification.
Comment: Variant summary: BRCA2 c.4829_4830delTG (p.Val1610GlyfsX4) results in a premature termination codon, predicted to cause a truncation of the encoded protein or absence of the protein due to nonsense mediated decay, which are commonly known mechanisms for disease. Truncations downstream of this position have been classified as pathogenic by our laboratory. The variant allele was found at a frequency of 8e-06 in 250066 control chromosomes (gnomAD). c.4829_4830delTG has been reported in the literature in multiple individuals affected with Hereditary Breast and Ovarian Cancer (examples- Liede_2002, Ahn_2007, Alemar_2017, Palmero_2018, Rebbeck_2018). These data indicate that the variant is very likely to be associated with disease. To our knowledge, no experimental evidence demonstrating an impact on protein function has been reported. Seven clinical diagnostic laboratories have submitted clinical-significance assessments for this variant to ClinVar after 2014 without evidence for independent evaluation. All laboratories classified the variant as pathogenic. Based on the evidence outlined above, the variant was classified as pathogenic.

Laboratory for Molecular Medicine, Mass General Brigham Personalized Medicine
Classification: Pathogenic for Hereditary breast ovarian cancer syndrome. Last evaluated: 2019-03-07. Review status: criteria provided, single submitter. Criteria: LMM Criteria. Collection method: clinical testing. Allele origin: germline. Inheritance: Autosomal dominant inheritance. Observed: 2 variant alleles. Not counted in ClinVar's aggregate classification.
Comment: proposed classification - variant undergoing re-assessment, contact laboratory

Consortium of Investigators of Modifiers of BRCA1/2 (CIMBA), c/o University of Cambridge
Classification: Pathogenic for Breast-ovarian cancer, familial, susceptibility to, 2. Last evaluated: 2015-10-02. Review status: criteria provided, single submitter. Criteria: CIMBA Mutation Classification guidelines May 2016. Collection method: clinical testing. Allele origin: germline. Not counted in ClinVar's aggregate classification.

Research Molecular Genetics Laboratory, Women's College Hospital, University of Toronto
Classification: Pathogenic for Hereditary breast ovarian cancer syndrome. Last evaluated: 2014-01-31. Review status: no assertion criteria provided. Collection method: research. Allele origin: germline. Affected: yes. Study: The Canadian Open Genetics Repository (COGR). Not counted in ClinVar's aggregate classification.

Sharing Clinical Reports Project (SCRP)
Classification: Pathogenic for Breast-ovarian cancer, familial 2. Last evaluated: 2012-05-01. Review status: no assertion criteria provided. Collection method: clinical testing. Allele origin: germline. Not counted in ClinVar's aggregate classification.

Breast Cancer Information Core (BIC) (BRCA2)
Classification: Pathogenic for Breast-ovarian cancer, familial 2. Last evaluated: 2002-05-29. Review status: no assertion criteria provided. Collection method: clinical testing. Allele origin: germline. Affected: yes. Observed: 4 variant alleles. Not counted in ClinVar's aggregate classification.

Literature cited by the submitters: PubMed 16199546 (cited by Dasa); PubMed 17063271 (cited by Dasa); PubMed 25632310 (cited by Dasa); PubMed 20104584 (cited by Labcorp Genetics (formerly Invitae), Labcorp and GeneKor MSA); PubMed 16455195 (cited by 6 submitters); PubMed 21559243 (cited by 3 submitters); PubMed 21607582 (cited by Labcorp Genetics (formerly Invitae), Labcorp); PubMed 25476495 (cited by 4 submitters); PubMed 29161300 (cited by 3 submitters); PubMed 29446198 (cited by 3 submitters); PubMed 29506128 (cited by 4 submitters); PubMed 29907814 (cited by 6 submitters); PubMed 30014164 (cited by 4 submitters); PubMed 30535581 (cited by 5 submitters); PubMed 22798144 (cited by 4 submitters); PubMed 38201524 (cited by Quest Diagnostics Nichols Institute San Juan Capistrano); PubMed 38630906 (cited by Quest Diagnostics Nichols Institute San Juan Capistrano); PubMed 38147532 (cited by Quest Diagnostics Nichols Institute San Juan Capistrano); PubMed 34645131 (cited by Quest Diagnostics Nichols Institute San Juan Capistrano); PubMed 30720243 (cited by Quest Diagnostics Nichols Institute San Juan Capistrano); PubMed 12181777 (cited by 3 submitters); PubMed 16998791 (cited by All of Us Research Program, National Institutes of Health and Color Diagnostics, LLC DBA Color Health).